The following is an entry in ClinVar:

ClinVar aggregate classification (germline): Uncertain significance (1 of 4 stars; one submission).

Conditions:
Cardiovascular phenotype. Identifiers: MedGen CN230736.

Submission:

Ambry Genetics
Classification: Uncertain significance for Cardiovascular phenotype. Last evaluated: 2021-06-30. Review status: criteria provided, single submitter. Criteria: Ambry Variant Classification Scheme 2023. Collection method: clinical testing. Allele origin: germline.
Comment: The p.R2776G variant (also known as c.8326C>G), located in coding exon 23 of the TNXB gene, results from a C to G substitution at nucleotide position 8326. The arginine at codon 2776 is replaced by glycine, an amino acid with dissimilar properties. This amino acid position is conserved. In addition, this alteration is predicted to be tolerated by in silico analysis. Since supporting evidence is limited at this time, the clinical significance of this alteration remains unclear.

NM_001365276.2(TNXB):c.8326C>G (p.Arg2776Gly)

Gene: TNXB (tenascin XB; minus strand). Cytogenetic location: 6p21.33.
Variant type: single nucleotide variant.
Coding change: c.8326C>G on transcript NM_001365276.2 (MANE Select); coding-DNA position 8326, C replaced by G.
Protein change: p.Arg2776Gly; replaces arginine 2776 with glycine.
Molecular consequence: missense variant.
Genome position (GRCh38, 1-based): chr6:32,055,992, G>C on the plus strand (C>G on the coding strand, the complement: TNXB is on the minus strand). VCF-style: chr6-32055992-G-C. GRCh37 (hg19) VCF-style: chr6-32023769-G-C.
Other names: c.8326C>G, p.Arg2776Gly (NM_019105.8); short protein forms R2776G.
Identifiers: ClinVar variation 1762940 (VCV001762940.2), dbSNP rs771834644, ClinGen allele CA363549261.